The following is an entry in ClinVar:

ClinVar aggregate classification (germline): Uncertain significance (1 of 4 stars; one submission).

Allele frequency attached by ClinVar (database versions not stated): gnomAD exomes 0.00001 and 0.00008; TOPMed 0.00003; ExAC 0.00001; gnomAD 0.00003.
gnomAD v4.1: 120 of 1,612,452 alleles (0.0074%); highest among the groups gnomAD compares: Non-Finnish European, 0.0099%; no homozygotes.

Submission:

GeneDx
Classification: Uncertain significance. Last evaluated: 2025-08-06. Review status: criteria provided, single submitter. Criteria: GeneDx Variant Classification Process June 2021. Collection method: clinical testing. Allele origin: germline. Affected: yes.
Comment: Not observed at a significant frequency in large population cohorts (gnomAD); In silico analysis supports that this missense variant has a deleterious effect on protein structure/function; Has not been previously published as pathogenic or benign to our knowledge

NM_004667.6(HERC2):c.10161G>C (p.Leu3387Phe)

Gene: HERC2 (HECT and RLD domain containing E3 ubiquitin protein ligase 2; minus strand). Cytogenetic location: 15q13.1.
Variant type: single nucleotide variant.
Coding change: c.10161G>C on transcript NM_004667.6 (MANE Select); coding-DNA position 10161, G replaced by C.
Protein change: p.Leu3387Phe; replaces leucine 3387 with phenylalanine.
Molecular consequence: missense variant.
Genome position (GRCh38, 1-based): chr15:28,169,552, C>G on the plus strand (G>C on the coding strand, the complement: HERC2 is on the minus strand). VCF-style: chr15-28169552-C-G. GRCh37 (hg19) VCF-style: chr15-28414698-C-G.
Other names: short protein forms L3387F.
Identifiers: ClinVar variation 423322 (VCV000423322.4), dbSNP rs764821178, ClinGen allele CA7440950.